The following is an entry in ClinVar:

NM_012431.3(SEMA3E):c.803G>A (p.Arg268Gln)

Gene: SEMA3E (semaphorin 3E; minus strand). Cytogenetic location: 7q21.11.
Variant type: single nucleotide variant.
Coding change: c.803G>A on transcript NM_012431.3 (MANE Select); coding-DNA position 803, G replaced by A.
Protein change: p.Arg268Gln; replaces arginine 268 with glutamine.
Molecular consequence: missense variant.
Genome position (GRCh38, 1-based): chr7:83,407,107, C>T on the plus strand (G>A on the coding strand, the complement: SEMA3E is on the minus strand). VCF-style: chr7-83407107-C-T. GRCh37 (hg19) VCF-style: chr7-83036423-C-T.
Other names: c.623G>A, p.Arg208Gln (NM_001178129.2); c.803G>A (NM_012431.2); short protein forms R208Q, R268Q.
Identifiers: ClinVar variation 2890426 (VCV002890426.4), dbSNP rs748042802, ClinGen allele CA4322212.
Genomic context (GRCh38, chr7:83,407,107, plus strand): 5'-CTGACCATAAATTGTGAGATAAGCAAGCATAATGAGAGAGAAAGCCTCACCACACAGAGT[C>T]GCCCGACCCTGGTGTAAATTGCGTGAGCATTGTTTTCTGCCTCCAGTGCCTTCTCAGTAA-3'
Protein context (NP_036563.1, residues 258-278): NAHAIYTRVG[Arg268Gln]LCVNDVGGQR

ClinVar aggregate classification (germline): Uncertain significance. Review status: criteria provided, multiple submitters, no conflicts (2 of 4 stars). 2 submissions from 2 submitters: Uncertain significance (2). Last evaluated 2025-11-26.

Conditions:
SEMA3E-related disorder. Also called: SEMA3E-related condition.
CHARGE syndrome (CHARGE). Also called: Hittner Hirsch Kreh syndrome; CHARGE ASSOCIATION--COLOBOMA, HEART ANOMALY, CHOANAL ATRESIA, RETARDATION, GENITAL AND EAR ANOMALIES; Coloboma, heart anomaly, choanal atresia, retardation, genital and ear anomalies; CHARGE association; Hall-Hittner syndrome. Identifiers: Orphanet 138, MedGen C0265354, MONDO:0008965.

Allele frequency attached by ClinVar (database versions not stated): TOPMed below 0.00001; ExAC 0.00001; gnomAD exomes 0.00001.
gnomAD v4.1: 3 of 1,613,454 alleles (0.00019%); highest among the groups gnomAD compares: East Asian, 0.0022%; no homozygotes.

Submissions (2):

PreventionGenetics, part of Exact Sciences
Classification: Uncertain significance for SEMA3E-related condition. Last evaluated: 2025-11-26. Review status: criteria provided, single submitter. Criteria: ACMG Guidelines, 2015. Collection method: clinical testing. Allele origin: germline.
Comment: The SEMA3E c.803G>A variant is predicted to result in the amino acid substitution p.Arg268Gln. To our knowledge, this variant has not been reported in the literature. This variant is reported in 0.00088% of alleles in individuals of European (Non-Finnish) descent in gnomAD. At this time, the clinical significance of this variant is uncertain due to the absence of conclusive functional and genetic evidence.

Labcorp Genetics (formerly Invitae), Labcorp
Classification: Uncertain significance for CHARGE syndrome. Last evaluated: 2023-12-27. Review status: criteria provided, single submitter. Criteria: Invitae Variant Classification Sherloc (09022015). Collection method: clinical testing. Allele origin: germline.
Comment: This sequence change replaces arginine, which is basic and polar, with glutamine, which is neutral and polar, at codon 268 of the SEMA3E protein (p.Arg268Gln). This variant is present in population databases (rs748042802, gnomAD 0.0009%). This variant has not been reported in the literature in individuals affected with SEMA3E-related conditions. An algorithm developed to predict the effect of missense changes on protein structure and function (PolyPhen-2) suggests that this variant is likely to be disruptive. In summary, the available evidence is currently insufficient to determine the role of this variant in disease. Therefore, it has been classified as a Variant of Uncertain Significance.